The following is an entry in ClinVar:

ClinVar aggregate classification (germline): Likely pathogenic (1 of 4 stars; one submission).

Conditions:
Autosomal dominant COL11A1-related disorders.

Submission:

Variantyx, Inc.
Classification: Likely pathogenic for Autosomal dominant COL11A1-related disorders. Last evaluated: 2025-08-29. Review status: criteria provided, single submitter. Criteria: Variantyx Assertion Criteria 2022. Collection method: clinical testing. Allele origin: germline. Inheritance: Autosomal dominant inheritance. Affected: yes.
Comment: This is a frameshift variant in the COL11A1 gene (OMIM: 120280). Pathogenic variants in this gene have been associated with autosomal dominant COL11A1-related disorders. The alteration introduces a premature termination codon in exon 27 out of 67 and is expected to result in loss of function, which is a known disease mechanism for COL11A1 in this disorder (PMID: 21035103, 20513134, 32756486, 9529347) (PVS1). This variant is absent from control populations (PM2). Based on the current evidence, this variant is classified as likely pathogenic for autosomal dominant COL11A1-related disorders.

Literature cited by the submitters: PubMed 21035103; PubMed 32427345; PubMed 20513134; PubMed 32756486; PubMed 9529347.

NM_001854.4(COL11A1):c.2266dup (p.Ile756fs)

Gene: COL11A1 (collagen type XI alpha 1 chain; minus strand). Cytogenetic location: 1p21.1.
Variant type: Duplication.
Coding change: c.2266dup on transcript NM_001854.4 (MANE Select); coding-DNA position 2266, one base duplicated (A; older notation c.2266dupA).
Protein change: p.Ile756fs; shifts the reading frame from isoleucine 756.
Molecular consequence: frameshift variant. On other transcripts: non-coding transcript variant (1).
Genome position (GRCh38, 1-based): chr1:102,996,018, T duplicated on the plus strand (A on the coding strand, the reverse complement: COL11A1 is on the minus strand). VCF-style (leftmost placement, unchanged base first): chr1-102996017-A-AT. GRCh37 (hg19) VCF-style: chr1-103461573-A-AT.
Other names: c.2149dup, p.Ile717fs (NM_001190709.2); c.2302dup, p.Ile768fs (NM_080629.3); c.1918dup, p.Ile640fs (NM_080630.4); short protein forms I640fs, I717fs, I756fs, I768fs.
Identifiers: ClinVar variation 4813775 (VCV004813775.1).